The following is an entry in ClinVar:

NM_006231.4(POLE):c.5904G>T (p.Glu1968Asp)

Gene: POLE (DNA polymerase epsilon, catalytic subunit; minus strand). Cytogenetic location: 12q24.33.
Variant type: single nucleotide variant.
Coding change: c.5904G>T on transcript NM_006231.4 (MANE Select); coding-DNA position 5904, G replaced by T.
Protein change: p.Glu1968Asp; replaces glutamic acid 1968 with aspartic acid.
Molecular consequence: missense variant.
Genome position (GRCh38, 1-based): chr12:132,634,286, C>A on the plus strand (G>T on the coding strand, the complement: POLE is on the minus strand). VCF-style: chr12-132634286-C-A. GRCh37 (hg19) VCF-style: chr12-133210872-C-A.
Other names: short protein forms E1968D.
Identifiers: ClinVar variation 1750417 (VCV001750417.2), dbSNP rs2541860006, ClinGen allele CA387371626.
Genomic context (GRCh38, chr12:132,634,286, plus strand): 5'-CTGTGGCAAAAACTGCAAAATGTTCCAGTTGTTTTCCAGTAAATCCTCCACGTTGGATTC[C>A]TCCGCCTCTTCCTCCTCCTCCCCATCTCTTTCCTCCTCATCGTCCTCATTTTCCTGCTCA-3'
Protein context (NP_006222.2, residues 1958-1978): ERDGEEEEEA[Glu1968Asp]ESNVEDLLEN

ClinVar aggregate classification (germline): Uncertain significance (1 of 4 stars; one submission).

Conditions:
Hereditary cancer-predisposing syndrome. Also called: Hereditary Cancer Syndrome; Hereditary neoplastic syndrome; Neoplastic Syndromes, Hereditary; Tumor predisposition. Identifiers: Orphanet 140162, MedGen C0027672, MeSH D009386, MONDO:0015356.

Submission:

Ambry Genetics
Classification: Uncertain significance for Hereditary cancer-predisposing syndrome. Last evaluated: 2022-09-28. Review status: criteria provided, single submitter. Criteria: Ambry Variant Classification Scheme 2023. Collection method: clinical testing. Allele origin: germline.
Comment: The p.E1968D variant (also known as c.5904G>T), located in coding exon 43 of the POLE gene, results from a G to T substitution at nucleotide position 5904. The glutamic acid at codon 1968 is replaced by aspartic acid, an amino acid with highly similar properties. This amino acid position is conserved. In addition, this alteration is predicted to be tolerated by in silico analysis. Since supporting evidence is limited at this time, the clinical significance of this alteration remains unclear.